The following is an entry in ClinVar:

NM_130384.3(ATRIP):c.1802C>G (p.Pro601Arg)

Genes: ATRIP (ATR interacting protein; plus strand), ATRIP-TREX1 (ATRIP-TREX1 readthrough; plus strand). Cytogenetic location: 3p21.31.
Variant type: single nucleotide variant.
Coding change: c.1802C>G on transcript NM_130384.3 (MANE Select); coding-DNA position 1802, C replaced by G.
Protein change: p.Pro601Arg; replaces proline 601 with arginine.
Molecular consequence: missense variant. On other transcripts: non-coding transcript variant (1).
Genome position (GRCh38, 1-based): chr3:48,463,801, C>G. VCF-style: chr3-48463801-C-G. GRCh37 (hg19) VCF-style: chr3-48505200-C-G.
Other names: c.1421C>G, p.Pro474Arg (NM_001271022.2); c.1523C>G, p.Pro508Arg (NM_001271023.2); c.1802C>G, p.Pro601Arg (NM_032166.4); short protein forms P508R, P474R, P601R.
Identifiers: ClinVar variation 3810634 (VCV003810634.1).

ClinVar aggregate classification (germline): Uncertain significance (1 of 4 stars; one submission).

gnomAD v4.1: 1 of 1,614,170 alleles (0.000062%); highest among the groups gnomAD compares: Non-Finnish European, 0.000085%; no homozygotes.

Submission:

Ambry Genetics
Classification: Uncertain significance. Last evaluated: 2025-02-09. Review status: criteria provided, single submitter. Criteria: Ambry Variant Classification Scheme 2023. Collection method: clinical testing. Allele origin: germline.
Comment: The p.P601R variant (also known as c.1802C>G), located in coding exon 9 of the ATRIP gene, results from a C to G substitution at nucleotide position 1802. The proline at codon 601 is replaced by arginine, an amino acid with dissimilar properties. This amino acid position is conserved. In addition, this alteration is predicted to be tolerated by in silico analysis. Based on the available evidence, the clinical significance of this variant remains unclear.